The following is an entry in ClinVar:

NM_006269.2(RP1):c.686del (p.Pro229fs)

Gene: RP1 (RP1 axonemal microtubule associated; plus strand). Cytogenetic location: 8q12.1.
Variant type: Deletion.
Coding change: c.686del on transcript NM_006269.2 (MANE Select); coding-DNA position 686, one base deleted (C; older notation c.686delC).
Protein change: p.Pro229fs; shifts the reading frame from proline 229.
Molecular consequence: frameshift variant.
Genome position (GRCh38, 1-based): chr8:54,622,187, C deleted; the last of 2 consecutive C bases (chr8:54,622,186-54,622,187); deleting either gives the same sequence. VCF-style (leftmost placement, unchanged base first): chr8-54622185-AC-A. GRCh37 (hg19) VCF-style: chr8-55534745-AC-A.
Other names: p.Pro229Glnfs*35; c.686del, p.Pro229fs (NM_001375654.1); short protein forms P229fs.
Identifiers: ClinVar variation 2735168 (VCV002735168.5), dbSNP rs2536560378, ClinGen allele CA2687300722.

ClinVar aggregate classification (germline): Pathogenic/Likely pathogenic. Review status: criteria provided, multiple submitters, no conflicts (2 of 4 stars). 3 submissions from 3 submitters: Pathogenic (2); Likely pathogenic (1). Last evaluated 2026-10-19.

Conditions:
RP1-related recessive retinopathy. Identifiers: MedGen CN322605, MONDO:0800399.
RP1-related disorder. Also called: RP1-related condition.

Submissions (3):

Department of Ophthalmology, Seoul National University Bundang Hospital
Classification: Likely pathogenic for RP1-related recessive retinopathy. Last evaluated: 2026-10-19. Review status: criteria provided, single submitter. Criteria: ACMG Guidelines, 2015. Collection method: clinical testing. Allele origin: germline. Inheritance: Autosomal recessive inheritance. Affected: yes.
Comment: Frameshift variant in exon 3. Identified in a Korean multicenter RP1 cohort (PMID:42847597) with recessive retinitis pigmentosa. ACMG/AMP criteria: PVS1, PM2. Previously reported by Collin et al., 2011 (PMID:21217109).

Blueprint Genetics
Classification: Pathogenic for RP1-related disorders. Last evaluated: 2024-02-16. Review status: criteria provided, single submitter. Criteria: ACMG Guidelines, 2015. Collection method: clinical testing. Allele origin: germline. Affected: yes. Observed: 3 variant alleles.

Labcorp Genetics (formerly Invitae), Labcorp
Classification: Pathogenic. Last evaluated: 2023-05-12. Review status: criteria provided, single submitter. Criteria: Invitae Variant Classification Sherloc (09022015). Collection method: clinical testing. Allele origin: germline.
Comment: For these reasons, this variant has been classified as Pathogenic. This variant disrupts a region of the RP1 protein in which other variant(s) (p.Ile2061Serfs*12) have been determined to be pathogenic (PMID: 29425069, 30027431; Invitae). This suggests that this is a clinically significant region of the protein, and that variants that disrupt it are likely to be disease-causing. This premature translational stop signal has been observed in individual(s) with autosomal recessive retinitis pigmentosa (PMID: 21217109). This variant is not present in population databases (gnomAD no frequency). This sequence change creates a premature translational stop signal (p.Pro229Glnfs*35) in the RP1 gene. While this is not anticipated to result in nonsense mediated decay, it is expected to disrupt the last 1928 amino acid(s) of the RP1 protein.

Literature cited by the submitters: PubMed 42847597 (cited by Department of Ophthalmology, Seoul National University Bundang Hospital); PubMed 21217109 (cited by Department of Ophthalmology, Seoul National University Bundang Hospital and Labcorp Genetics (formerly Invitae), Labcorp); PubMed 29425069 (cited by Labcorp Genetics (formerly Invitae), Labcorp); PubMed 30027431 (cited by Labcorp Genetics (formerly Invitae), Labcorp).